The following is an entry in ClinVar:

NM_181741.4(ORC4):c.101A>G (p.His34Arg)

Gene: ORC4 (origin recognition complex subunit 4; minus strand). Cytogenetic location: 2q23.1.
Variant type: single nucleotide variant.
Coding change: c.101A>G on transcript NM_181741.4 (MANE Select); coding-DNA position 101, A replaced by G.
Protein change: p.His34Arg; replaces histidine 34 with arginine.
Molecular consequence: missense variant. On other transcripts: 5 prime UTR variant (2), intron variant (1).
Genome position (GRCh38, 1-based): chr2:147,973,481, T>C on the plus strand (A>G on the coding strand, the complement: ORC4 is on the minus strand). VCF-style: chr2-147973481-T-C. GRCh37 (hg19) VCF-style: chr2-148731050-T-C.
Other names: c.101A>G, p.His34Arg (NM_001190879.3, NM_001374270.1, NM_002552.5 and 1 more transcripts); c.-122A>G (NM_001190882.3); c.-217A>G (NM_001374272.1); c.-27-14615A>G (NM_001190881.3); short protein forms H34R.
Identifiers: ClinVar variation 1017707 (VCV001017707.8), dbSNP rs746268100, ClinGen allele CA1899732.

ClinVar aggregate classification (germline): Uncertain significance (1 of 4 stars; one submission).

Allele frequency attached by ClinVar (database versions not stated): gnomAD exomes below 0.00001; ExAC 0.00001; TOPMed 0.00003; gnomAD 0.00004.
gnomAD v4.1: 7 of 1,606,882 alleles (0.00044%); highest among the groups gnomAD compares: African/African-American, 0.0094%; no homozygotes.

Submission:

Labcorp Genetics (formerly Invitae), Labcorp
Classification: Uncertain significance. Last evaluated: 2020-03-29. Review status: criteria provided, single submitter. Criteria: Invitae Variant Classification Sherloc (09022015). Collection method: clinical testing. Allele origin: germline.
Comment: This variant is present in population databases (rs746268100, ExAC 0.01%). This sequence change replaces histidine with arginine at codon 34 of the ORC4 protein (p.His34Arg). The histidine residue is moderately conserved and there is a small physicochemical difference between histidine and arginine. In summary, the available evidence is currently insufficient to determine the role of this variant in disease. Therefore, it has been classified as a Variant of Uncertain Significance. Algorithms developed to predict the effect of missense changes on protein structure and function (SIFT, PolyPhen-2, Align-GVGD) all suggest that this variant is likely to be tolerated, but these predictions have not been confirmed by published functional studies and their clinical significance is uncertain. This variant has not been reported in the literature in individuals with ORC4-related conditions.